The following is an entry in ClinVar:

NM_018297.4(NGLY1):c.490A>G (p.Thr164Ala)

Gene: NGLY1 (N-glycanase 1; minus strand). Cytogenetic location: 3p24.2.
Variant type: single nucleotide variant.
Coding change: c.490A>G on transcript NM_018297.4 (MANE Select); coding-DNA position 490, A replaced by G.
Protein change: p.Thr164Ala; replaces threonine 164 with alanine.
Molecular consequence: missense variant.
Genome position (GRCh38, 1-based): chr3:25,764,068, T>C on the plus strand (A>G on the coding strand, the complement: NGLY1 is on the minus strand). VCF-style: chr3-25764068-T-C. GRCh37 (hg19) VCF-style: chr3-25805559-T-C.
Other names: c.490A>G, p.Thr164Ala (NM_001145293.2, NM_001145295.2); c.364A>G, p.Thr122Ala (NM_001145294.2); short protein forms T122A, T164A.
Identifiers: ClinVar variation 3299611 (VCV003299611.3).

ClinVar aggregate classification (germline): Uncertain significance. Review status: criteria provided, multiple submitters, no conflicts (2 of 4 stars). 2 submissions from 2 submitters: Uncertain significance (2). Last evaluated 2025-08-11.

Conditions:
Inborn genetic diseases. Identifiers: MedGen C0950123, MeSH D030342.
Congenital disorder of deglycosylation (CDDG). Identifiers: MedGen C3808991, MONDO:0031376.

gnomAD v4.1: 6 of 1,614,084 alleles (0.00037%); highest among the groups gnomAD compares: Middle Eastern, 0.033%; no homozygotes.

Submissions (2):

Labcorp Genetics (formerly Invitae), Labcorp
Classification: Uncertain significance for Congenital disorder of deglycosylation. Last evaluated: 2025-08-11. Review status: criteria provided, single submitter. Criteria: Invitae Variant Classification Sherloc (09022015). Collection method: clinical testing. Allele origin: germline.
Comment: This sequence change replaces threonine, which is neutral and polar, with alanine, which is neutral and non-polar, at codon 164 of the NGLY1 protein (p.Thr164Ala). This variant is present in population databases (rs779330674, gnomAD 0.01%). This variant has not been reported in the literature in individuals affected with NGLY1-related conditions. ClinVar contains an entry for this variant (Variation ID: 3299611). An algorithm developed to predict the effect of missense changes on protein structure and function (PolyPhen-2) suggests that this variant is likely to be tolerated. In summary, the available evidence is currently insufficient to determine the role of this variant in disease. Therefore, it has been classified as a Variant of Uncertain Significance.

Ambry Genetics
Classification: Uncertain significance for Inborn genetic diseases. Last evaluated: 2024-04-22. Review status: criteria provided, single submitter. Criteria: Ambry Variant Classification Scheme 2023. Collection method: clinical testing. Allele origin: germline.